The following is an entry in ClinVar:

ClinVar aggregate classification (germline): Uncertain significance. Review status: criteria provided, multiple submitters, no conflicts (2 of 4 stars). 2 submissions from 2 submitters: Uncertain significance (2). Last evaluated 2024-04-08.

Conditions:
Hereditary cancer-predisposing syndrome. Also called: Neoplastic Syndromes, Hereditary; Hereditary neoplastic syndrome; Tumor predisposition; Hereditary Cancer Syndrome. Identifiers: Orphanet 140162, MedGen C0027672, MeSH D009386, MONDO:0015356.
Familial cancer of breast. Also called: BREAST CANCER, FAMILIAL; hereditary breast carcinoma; Hereditary breast cancer. Identifiers: Orphanet 227535, MedGen C0346153, MONDO:0016419, OMIM 114480. Disease mechanism: loss of function.

Submissions (2):

Ambry Genetics
Classification: Uncertain significance for Hereditary cancer-predisposing syndrome. Last evaluated: 2024-04-08. Review status: criteria provided, single submitter. Criteria: Ambry Variant Classification Scheme 2023. Collection method: clinical testing. Allele origin: germline.
Comment: The p.A460T variant (also known as c.1378G>A), located in coding exon 5 of the BARD1 gene, results from a G to A substitution at nucleotide position 1378. The alanine at codon 460 is replaced by threonine, an amino acid with similar properties. This alteration was found to be functionally intermediate in a homology-directed DNA repair (HDR) assay (Adamovich AI et al. PLoS Genet, 2019 Mar;15:e1008049). This amino acid position is highly conserved in available vertebrate species. In addition, the in silico prediction for this alteration is inconclusive. Based on the available evidence, the clinical significance of this variant remains unclear.

Labcorp Genetics (formerly Invitae), Labcorp
Classification: Uncertain significance for Familial cancer of breast. Last evaluated: 2023-03-18. Review status: criteria provided, single submitter. Criteria: Invitae Variant Classification Sherloc (09022015). Collection method: clinical testing. Allele origin: germline.
Comment: This sequence change replaces alanine, which is neutral and non-polar, with threonine, which is neutral and polar, at codon 460 of the BARD1 protein (p.Ala460Thr). This variant is not present in population databases (gnomAD no frequency). This variant has not been reported in the literature in individuals affected with BARD1-related conditions. ClinVar contains an entry for this variant (Variation ID: 237819). An algorithm developed to predict the effect of missense changes on protein structure and function (PolyPhen-2) suggests that this variant is likely to be disruptive. Experimental studies have shown that this missense change affects BARD1 function (PMID: 30925164, 34102105). In summary, the available evidence is currently insufficient to determine the role of this variant in disease. Therefore, it has been classified as a Variant of Uncertain Significance.

Literature cited by the submitters: PubMed 30925164 (cited by Ambry Genetics and Labcorp Genetics (formerly Invitae), Labcorp); PubMed 34102105 (cited by Labcorp Genetics (formerly Invitae), Labcorp).

NM_000465.4(BARD1):c.1378G>A (p.Ala460Thr)

Gene: BARD1 (BRCA1 associated RING domain 1; minus strand). Cytogenetic location: 2q35.
Variant type: single nucleotide variant.
Coding change: c.1378G>A on transcript NM_000465.4 (MANE Select); coding-DNA position 1378, G replaced by A.
Protein change: p.Ala460Thr; replaces alanine 460 with threonine.
Molecular consequence: missense variant. On other transcripts: non-coding transcript variant (3), intron variant (3).
Genome position (GRCh38, 1-based): chr2:214,769,249, C>T on the plus strand (G>A on the coding strand, the complement: BARD1 is on the minus strand). VCF-style: chr2-214769249-C-T. GRCh37 (hg19) VCF-style: chr2-215633973-C-T.
Other names: c.1321G>A, p.Ala441Thr (NM_001282543.2); c.159-16694G>A (NM_001282548.2); c.216-16694G>A (NM_001282545.2); c.364+23048G>A (NM_001282549.2); c.1378G>A (NM_000465.2); short protein forms A460T, A441T.
Identifiers: ClinVar variation 237819 (VCV000237819.10), dbSNP rs878854000, ClinGen allele CA10581926.